The following is an entry in ClinVar:

ClinVar aggregate classification (germline): Uncertain significance (1 of 4 stars; one submission).

Conditions:
Severe myoclonic epilepsy in infancy (DRVT). Also called: DEVELOPMENTAL AND EPILEPTIC ENCEPHALOPATHY 6A; Severe Myoclonic Epilepsy in Infancy (SMEI); SEVERE MYOCLONIC EPILEPSY OF INFANCY; Dravet syndrome; Epileptic encephalopathy, early infantile, 6 (Dravet syndrome). Identifiers: Orphanet 33069, MedGen C0751122, MONDO:0100135, OMIM 607208.

Submission:

Labcorp Genetics (formerly Invitae), Labcorp
Classification: Uncertain significance for Severe myoclonic epilepsy in infancy. Last evaluated: 2019-02-14. Review status: criteria provided, single submitter. Criteria: Invitae Variant Classification Sherloc (09022015). Collection method: clinical testing. Allele origin: germline.
Comment: In summary, the available evidence is currently insufficient to determine the role of this variant in disease. Therefore, it has been classified as a Variant of Uncertain Significance. Algorithms developed to predict the effect of missense changes on protein structure and function are either unavailable or do not agree on the potential impact of this missense change (SIFT: "Tolerated"; PolyPhen-2: "Benign"; Align-GVGD: "Class C0"). This variant has not been reported in the literature in individuals with SNX27-related conditions. The frequency data for this variant in the population databases is considered unreliable, as metrics indicate insufficient coverage at this position in the ExAC database. This sequence change replaces alanine with valine at codon 31 of the SNX27 protein (p.Ala31Val). The alanine residue is moderately conserved and there is a small physicochemical difference between alanine and valine.

NM_001330723.2(SNX27):c.92C>T (p.Ala31Val)

Genes: SNX27 (sorting nexin 27; plus strand), LOC129931442 (ATAC-STARR-seq lymphoblastoid silent region 1324; plus strand). Cytogenetic location: 1q21.3.
Variant type: single nucleotide variant.
Coding change: c.92C>T on transcript NM_001330723.2 (MANE Select); coding-DNA position 92, C replaced by T.
Protein change: p.Ala31Val; replaces alanine 31 with valine.
Molecular consequence: missense variant.
Genome position (GRCh38, 1-based): chr1:151,612,293, C>T. VCF-style: chr1-151612293-C-T. GRCh37 (hg19) VCF-style: chr1-151584769-C-T.
Other names: c.92C>T, p.Ala31Val (NM_030918.6); short protein forms A31V.
Identifiers: ClinVar variation 837148 (VCV000837148.10), dbSNP rs1667211203, ClinGen allele CA341973785.